The following is an entry in ClinVar:

ClinVar aggregate classification (germline): Uncertain significance (1 of 4 stars; one submission).

Conditions:
Regional enteritis. Also called: Enteritis, Granulomatous. Identifiers: MedGen C0678202, MeSH D003424.
Blau syndrome (BLAUS). Also called: GRANULOMATOSIS, FAMILIAL JUVENILE SYSTEMIC; GRANULOMATOSIS, FAMILIAL, BLAU TYPE; GRANULOMATOUS INFLAMMATORY ARTHRITIS, DERMATITIS, AND UVEITIS, FAMILIAL; JABS SYNDROME; ARTHROCUTANEOUVEAL GRANULOMATOSIS. Identifiers: Orphanet 90340, MedGen C5201146, MONDO:0008523, OMIM 186580.

Allele frequency attached by ClinVar (database versions not stated): gnomAD 0.00001; gnomAD exomes 0.00001; ExAC 0.00002; 1000 Genomes Project 30x 0.00016; 1000 Genomes Project 0.00020.
gnomAD v4.1: 14 of 1,614,022 alleles (0.00087%); highest among the groups gnomAD compares: East Asian, 0.0089%; no homozygotes.

Submission:

Labcorp Genetics (formerly Invitae), Labcorp
Classification: Uncertain significance for Regional enteritis; Blau syndrome. Last evaluated: 2025-10-21. Review status: criteria provided, single submitter. Criteria: Invitae Variant Classification Sherloc (09022015). Collection method: clinical testing. Allele origin: germline.
Comment: This sequence change replaces alanine, which is neutral and non-polar, with threonine, which is neutral and polar, at codon 429 of the NOD2 protein (p.Ala429Thr). This variant is present in population databases (rs144827713, gnomAD 0.006%). This variant has not been reported in the literature in individuals affected with NOD2-related conditions. ClinVar contains an entry for this variant (Variation ID: 2189494). Invitae Evidence Modeling of protein sequence and biophysical properties (such as structural, functional, and spatial information, amino acid conservation, physicochemical variation, residue mobility, and thermodynamic stability) has been performed for this missense variant. However, the output from this modeling did not meet the statistical confidence thresholds required to predict the impact of this variant on NOD2 protein function. In summary, the available evidence is currently insufficient to determine the role of this variant in disease. Therefore, it has been classified as a Variant of Uncertain Significance.

NM_001370466.1(NOD2):c.1204G>A (p.Ala402Thr)

Gene: NOD2 (nucleotide binding oligomerization domain containing 2; plus strand). Cytogenetic location: 16q12.1.
Variant type: single nucleotide variant.
Coding change: c.1204G>A on transcript NM_001370466.1 (MANE Select); coding-DNA position 1204, G replaced by A.
Protein change: p.Ala402Thr; replaces alanine 402 with threonine.
Molecular consequence: missense variant. On other transcripts: non-coding transcript variant (1).
Genome position (GRCh38, 1-based): chr16:50,711,196, G>A. VCF-style: chr16-50711196-G-A. GRCh37 (hg19) VCF-style: chr16-50745107-G-A.
Other names: c.1204G>A, p.Ala402Thr (NM_001293557.2); c.1285G>A, p.Ala429Thr (NM_022162.3); short protein forms A402T, A429T.
Identifiers: ClinVar variation 2189494 (VCV002189494.4), dbSNP rs144827713, ClinGen allele CA8051507.